The following is an entry in ClinVar:

ClinVar aggregate classification (germline): Uncertain significance. Review status: criteria provided, multiple submitters, no conflicts (2 of 4 stars). 2 submissions from 2 submitters: Uncertain significance (2). Last evaluated 2025-09-28.

Allele frequency attached by ClinVar (database versions not stated): ExAC 0.00001.
gnomAD v4.1: 1 of 1,614,098 alleles (0.000062%); highest among the groups gnomAD compares: African/African-American, 0.0013%; no homozygotes.

Submissions (2):

Labcorp Genetics (formerly Invitae), Labcorp
Classification: Uncertain significance. Last evaluated: 2025-09-28. Review status: criteria provided, single submitter. Criteria: Invitae Variant Classification Sherloc (09022015). Collection method: clinical testing. Allele origin: germline.
Comment: This sequence change replaces glutamic acid, which is acidic and polar, with aspartic acid, which is acidic and polar, at codon 462 of the NPAT protein (p.Glu462Asp). This variant is present in population databases (rs747610386, gnomAD 0.007%). This variant has not been reported in the literature in individuals affected with NPAT-related conditions. ClinVar contains an entry for this variant (Variation ID: 1771392). An algorithm developed to predict the effect of missense changes on protein structure and function (PolyPhen-2) suggests that this variant is likely to be tolerated. In summary, the available evidence is currently insufficient to determine the role of this variant in disease. Therefore, it has been classified as a Variant of Uncertain Significance.

Ambry Genetics
Classification: Uncertain significance. Last evaluated: 2022-07-05. Review status: criteria provided, single submitter. Criteria: Ambry Variant Classification Scheme 2023. Collection method: clinical testing. Allele origin: germline.
Comment: The p.E462D variant (also known as c.1386A>C), located in coding exon 13 of the NPAT gene, results from an A to C substitution at nucleotide position 1386. The glutamic acid at codon 462 is replaced by aspartic acid, an amino acid with highly similar properties. This amino acid position is conserved. In addition, this alteration is predicted to be tolerated by in silico analysis. Since supporting evidence is limited at this time, the clinical significance of this alteration remains unclear.

NM_002519.3(NPAT):c.1386A>C (p.Glu462Asp)

Gene: NPAT (nuclear protein, coactivator of histone transcription; minus strand). Cytogenetic location: 11q22.3.
Variant type: single nucleotide variant.
Coding change: c.1386A>C on transcript NM_002519.3 (MANE Select); coding-DNA position 1386, A replaced by C.
Protein change: p.Glu462Asp; replaces glutamic acid 462 with aspartic acid.
Molecular consequence: missense variant.
Genome position (GRCh38, 1-based): chr11:108,173,598, T>G on the plus strand (A>C on the coding strand, the complement: NPAT is on the minus strand). VCF-style: chr11-108173598-T-G. GRCh37 (hg19) VCF-style: chr11-108044325-T-G.
Other names: c.1386A>C, p.Glu462Asp (NM_001321307.1); short protein forms E462D.
Identifiers: ClinVar variation 1771392 (VCV001771392.3), dbSNP rs747610386, ClinGen allele CA6264006.